The following is an entry in ClinVar:

ClinVar aggregate classification (germline): Likely benign (1 of 4 stars; one submission).

Allele frequency attached by ClinVar (database versions not stated): gnomAD 0.00056; gnomAD exomes 0.00062; TOPMed 0.00065; ExAC 0.00214.

Submission:

CeGaT Center for Human Genetics Tuebingen
Classification: Likely benign. Last evaluated: 2025-06-01. Review status: criteria provided, single submitter. Criteria: CeGaT Center For Human Genetics Tuebingen Variant Classification Criteria Version 2. Collection method: clinical testing. Allele origin: germline. Affected: yes. Observed: 2 variant alleles.
Comment: ZNF814: BP4, BP7

NC_000019.10:g.57868473G>A

Gene: ZNF814 (zinc finger protein 814; minus strand). Cytogenetic location: 19q13.43.
Variant type: single nucleotide variant.
Molecular consequence: non-coding transcript variant (on NR_144562.1).
Genome position: GRCh38 VCF-style: chr19-57868473-G-A. GRCh37 (hg19) VCF-style: chr19-58379841-G-A.
Other names: c.*3267C>T (NM_032828.4).
Identifiers: ClinVar variation 2650577 (VCV002650577.24), dbSNP rs778222857, ClinGen allele CA9707096.